The following is an entry in ClinVar:

NC_000015.10:g.84817240C>T

Gene: ALPK3 (alpha kinase 3; plus strand). Cytogenetic location: 15q25.3.
Variant type: single nucleotide variant.
Genome position: GRCh38 VCF-style: chr15-84817240-C-T. GRCh37 (hg19) VCF-style: chr15-85360471-C-T.
Other names: short protein forms P132S.
Identifiers: ClinVar variation 1736412 (VCV001736412.6), dbSNP rs902428672, ClinGen allele CA393368821.
Genomic context (GRCh38, chr15:84,817,240, plus strand): 5'-CAGGGCCGCCAAGGGAGCGGACTCGGAGCCGGCCCTGGGGCGGGCACATGGGCCCCGGCG[C>T]CCCCCGGCGTCTCCAAGCCGCGCTGCCCGGGTCGGGCCAGGCCAGGGGAGGGACAGCAGC-3'

ClinVar aggregate classification (germline): Uncertain significance. Review status: criteria provided, multiple submitters, no conflicts (2 of 4 stars). 2 submissions from 2 submitters: Uncertain significance (2). Last evaluated 2025-06-14.

Conditions:
Cardiovascular phenotype. Identifiers: MedGen CN230736.

Submissions (2):

Labcorp Genetics (formerly Invitae), Labcorp
Classification: Uncertain significance. Last evaluated: 2025-06-14. Review status: criteria provided, single submitter. Criteria: Invitae Variant Classification Sherloc (09022015). Collection method: clinical testing. Allele origin: germline.
Comment: This sequence change replaces proline, which is neutral and non-polar, with serine, which is neutral and polar, at codon 132 of the ALPK3 protein (p.Pro132Ser). This variant is present in population databases (no rsID available, gnomAD 0.04%). This variant has not been reported in the literature in individuals affected with ALPK3-related conditions. ClinVar contains an entry for this variant (Variation ID: 1736412). An algorithm developed to predict the effect of missense changes on protein structure and function (PolyPhen-2) suggests that this variant is likely to be disruptive. In summary, the available evidence is currently insufficient to determine the role of this variant in disease. Therefore, it has been classified as a Variant of Uncertain Significance.

Ambry Genetics
Classification: Uncertain significance for Cardiovascular phenotype. Last evaluated: 2021-06-25. Review status: criteria provided, single submitter. Criteria: Ambry Variant Classification Scheme 2023. Collection method: clinical testing. Allele origin: germline.
Comment: The p.P132S variant (also known as c.394C>T), located in coding exon 1 of the ALPK3 gene, results from a C to T substitution at nucleotide position 394. The proline at codon 132 is replaced by serine, an amino acid with similar properties. This amino acid position is conserved. In addition, this alteration is predicted to be tolerated by in silico analysis. Since supporting evidence is limited at this time, the clinical significance of this alteration remains unclear.